The following is an entry in ClinVar:

ClinVar aggregate classification (germline): Uncertain significance (1 of 4 stars; one submission).

Conditions:
FASN-related disorder. Also called: FASN-related condition.

Submission:

PreventionGenetics, part of Exact Sciences
Classification: Uncertain significance for FASN-related condition. Last evaluated: 2026-02-19. Review status: criteria provided, single submitter. Criteria: ACMG Guidelines, 2015. Collection method: clinical testing. Allele origin: germline.
Comment: The FASN c.3671T>A variant is predicted to result in the amino acid substitution p.Leu1224His. To our knowledge, this variant has not been reported in the literature or in a large population database (gnomAD), indicating this variant is rare. At this time, the clinical significance of this variant is uncertain due to the absence of conclusive functional and genetic evidence.

NM_004104.5(FASN):c.3671T>A (p.Leu1224His)

Gene: FASN (fatty acid synthase; minus strand). Cytogenetic location: 17q25.3.
Variant type: single nucleotide variant.
Coding change: c.3671T>A on transcript NM_004104.5 (MANE Select); coding-DNA position 3671, T replaced by A.
Protein change: p.Leu1224His; replaces leucine 1224 with histidine.
Molecular consequence: missense variant.
Genome position (GRCh38, 1-based): chr17:82,086,315, A>T on the plus strand (T>A on the coding strand, the complement: FASN is on the minus strand). VCF-style: chr17-82086315-A-T. GRCh37 (hg19) VCF-style: chr17-80044191-A-T.
Other names: short protein forms L1224H.
Identifiers: ClinVar variation 4995713 (VCV004995713.1).